The following is an entry in ClinVar:

ClinVar aggregate classification (germline): Pathogenic (1 of 4 stars; one submission).

Conditions:
Inborn genetic diseases. Identifiers: MedGen C0950123, MeSH D030342.

Submission:

Ambry Genetics
Classification: Pathogenic for Inborn genetic diseases. Last evaluated: 2025-12-11. Review status: criteria provided, single submitter. Criteria: Ambry Variant Classification Scheme 2023. Collection method: clinical testing. Allele origin: germline.
Comment: The c.1044delG (p.E348Dfs*20) alteration, located in exon 9 (coding exon 7) of the ANKRD11 gene, consists of a deletion of one nucleotide at position 1044, causing a translational frameshift with a predicted alternate stop codon after 20 amino acids. This alteration is expected to result in loss of function by premature protein truncation or nonsense-mediated mRNA decay. This variant was not reported in population-based cohorts in the Genome Aggregation Database (gnomAD). Based on the available evidence, this alteration is classified as pathogenic.

NM_013275.6(ANKRD11):c.1044del (p.Glu348fs)

Gene: ANKRD11 (ankyrin repeat domain 11; minus strand). Cytogenetic location: 16q24.3.
Variant type: Deletion.
Coding change: c.1044del on transcript NM_013275.6 (MANE Select); coding-DNA position 1044, one base deleted (G; older notation c.1044delG).
Protein change: p.Glu348fs; shifts the reading frame from glutamic acid 348.
Molecular consequence: frameshift variant.
Genome position (GRCh38, 1-based): chr16:89,285,498, C deleted on the plus strand (G on the coding strand, the reverse complement: ANKRD11 is on the minus strand). VCF-style (leftmost placement, unchanged base first): chr16-89285497-AC-A. GRCh37 (hg19) VCF-style: chr16-89351905-AC-A.
Other names: c.1044del, p.Glu348fs (NM_001256182.2, NM_001256183.2); short protein forms E348fs.
Identifiers: ClinVar variation 4578293 (VCV004578293.1).